The following is an entry in ClinVar:

ClinVar aggregate classification (germline): Uncertain significance (1 of 4 stars; one submission).

Submission:

Labcorp Genetics (formerly Invitae), Labcorp
Classification: Uncertain significance. Last evaluated: 2022-07-06. Review status: criteria provided, single submitter. Criteria: Invitae Variant Classification Sherloc (09022015). Collection method: clinical testing. Allele origin: germline.
Comment: In summary, the available evidence is currently insufficient to determine the role of this variant in disease. Therefore, it has been classified as a Variant of Uncertain Significance. Algorithms developed to predict the effect of missense changes on protein structure and function are either unavailable or do not agree on the potential impact of this missense change (SIFT: "Deleterious"; PolyPhen-2: "Possibly Damaging"; Align-GVGD: "Class C0"). This variant has not been reported in the literature in individuals affected with EPRS-related conditions. This variant is not present in population databases (gnomAD no frequency). This sequence change replaces glutamine, which is neutral and polar, with arginine, which is basic and polar, at codon 760 of the EPRS protein (p.Gln760Arg).

NM_004446.3(EPRS1):c.2279A>G (p.Gln760Arg)

Gene: EPRS1 (glutamyl-prolyl-tRNA synthetase 1; minus strand). Cytogenetic location: 1q41.
Variant type: single nucleotide variant.
Coding change: c.2279A>G on transcript NM_004446.3 (MANE Select); coding-DNA position 2279, A replaced by G.
Protein change: p.Gln760Arg; replaces glutamine 760 with arginine.
Molecular consequence: missense variant.
Genome position (GRCh38, 1-based): chr1:219,997,245, T>C on the plus strand (A>G on the coding strand, the complement: EPRS1 is on the minus strand). VCF-style: chr1-219997245-T-C. GRCh37 (hg19) VCF-style: chr1-220170587-T-C.
Other names: short protein forms Q760R.
Identifiers: ClinVar variation 2068848 (VCV002068848.4), dbSNP rs755807940, ClinGen allele CA344647685.